The following is an entry in ClinVar:

NM_000921.5(PDE3A):c.1532G>C (p.Ser511Thr)

Gene: PDE3A (phosphodiesterase 3A; plus strand). Cytogenetic location: 12p12.2.
Variant type: single nucleotide variant.
Coding change: c.1532G>C on transcript NM_000921.5 (MANE Select); coding-DNA position 1532, G replaced by C.
Protein change: p.Ser511Thr; replaces serine 511 with threonine.
Molecular consequence: missense variant.
Genome position (GRCh38, 1-based): chr12:20,621,403, G>C. VCF-style: chr12-20621403-G-C. GRCh37 (hg19) VCF-style: chr12-20774337-G-C.
Other names: c.566G>C, p.Ser189Thr (NM_001244683.2, NM_001378409.1); c.1532G>C, p.Ser511Thr (NM_001378407.1); c.569G>C, p.Ser190Thr (NM_001378408.1); short protein forms S189T, S190T, S511T.
Identifiers: ClinVar variation 3347309 (VCV003347309.1).

ClinVar aggregate classification (germline): Uncertain significance (0 of 4 stars; one submission).

Conditions:
PDE3A-related disorder. Also called: PDE3A-related condition.

gnomAD v4.1: 3 of 1,579,536 alleles (0.00019%); highest among the groups gnomAD compares: African/African-American, 0.004%; no homozygotes.

Submission:

PreventionGenetics, part of Exact Sciences
Classification: Uncertain significance for PDE3A-related condition. Last evaluated: 2024-06-10. Review status: no assertion criteria provided. Collection method: clinical testing. Allele origin: germline.
Comment: The PDE3A c.1532G>C variant is predicted to result in the amino acid substitution p.Ser511Thr. To our knowledge, this variant has not been reported in the literature. This variant is reported in 0.0062% of alleles in individuals of African descent in gnomAD. At this time, the clinical significance of this variant is uncertain due to the absence of conclusive functional and genetic evidence.